The following is an entry in ClinVar:

ClinVar aggregate classification (germline): Uncertain significance (1 of 4 stars; one submission).

Conditions:
RASopathy. Also called: rasopathies; Noonan spectrum disorder. Identifiers: Orphanet 536391, MedGen C5555857, MONDO:0021060.

Submission:

Labcorp Genetics (formerly Invitae), Labcorp
Classification: Uncertain significance for RASopathy. Last evaluated: 2022-11-03. Review status: criteria provided, single submitter. Criteria: Invitae Variant Classification Sherloc (09022015). Collection method: clinical testing. Allele origin: germline.
Comment: In summary, the available evidence is currently insufficient to determine the role of this variant in disease. Therefore, it has been classified as a Variant of Uncertain Significance. Advanced modeling of protein sequence and biophysical properties (such as structural, functional, and spatial information, amino acid conservation, physicochemical variation, residue mobility, and thermodynamic stability) has been performed at Invitae for this missense variant, however the output from this modeling did not meet the statistical confidence thresholds required to predict the impact of this variant on SOS1 protein function. This variant has not been reported in the literature in individuals affected with SOS1-related conditions. This variant is not present in population databases (gnomAD no frequency). This sequence change replaces phenylalanine, which is neutral and non-polar, with leucine, which is neutral and non-polar, at codon 514 of the SOS1 protein (p.Phe514Leu).

NM_005633.4(SOS1):c.1542T>A (p.Phe514Leu)

Gene: SOS1 (SOS Ras/Rac guanine nucleotide exchange factor 1; minus strand). Cytogenetic location: 2p22.1.
Variant type: single nucleotide variant.
Coding change: c.1542T>A on transcript NM_005633.4 (MANE Select); coding-DNA position 1542, T replaced by A.
Protein change: p.Phe514Leu; replaces phenylalanine 514 with leucine.
Molecular consequence: missense variant.
Genome position (GRCh38, 1-based): chr2:39,022,886, A>T on the plus strand (T>A on the coding strand, the complement: SOS1 is on the minus strand). VCF-style: chr2-39022886-A-T. GRCh37 (hg19) VCF-style: chr2-39250027-A-T.
Other names: c.1521T>A, p.Phe507Leu (NM_001382394.1); c.1542T>A, p.Phe514Leu (NM_001382395.1); short protein forms F507L, F514L.
Identifiers: ClinVar variation 2811691 (VCV002811691.3), dbSNP rs2529036306, ClinGen allele CA346365933.